The following is an entry in ClinVar:

ClinVar aggregate classification (germline): Uncertain significance. Review status: criteria provided, multiple submitters, no conflicts (2 of 4 stars). 2 submissions from 2 submitters: Uncertain significance (2). Last evaluated 2025-04-30.

Conditions:
SEMA3F-related disorder. Also called: SEMA3F-related condition.

Allele frequency attached by ClinVar (database versions not stated): gnomAD 0.00001; gnomAD exomes 0.00003; TOPMed 0.00003; ExAC 0.00010.
gnomAD v4.1: 48 of 1,613,700 alleles (0.003%); highest among the groups gnomAD compares: Non-Finnish European, 0.0039%; no homozygotes.

Submissions (2):

PreventionGenetics, part of Exact Sciences
Classification: Uncertain significance for SEMA3F-related condition. Last evaluated: 2025-04-30. Review status: criteria provided, single submitter. Criteria: ACMG Guidelines, 2015. Collection method: clinical testing. Allele origin: germline.
Comment: The SEMA3F c.1796G>A variant is predicted to result in the amino acid substitution p.Arg599His. To our knowledge, this variant has not been reported in the literature. This variant is reported in 0.011% of alleles in individuals of European (Non-Finnish) descent in gnomAD. At this time, the clinical significance of this variant is uncertain due to the absence of conclusive functional and genetic evidence.

Ambry Genetics
Classification: Uncertain significance. Last evaluated: 2023-12-21. Review status: criteria provided, single submitter. Criteria: Ambry Variant Classification Scheme 2023. Collection method: clinical testing. Allele origin: germline.

NM_004186.5(SEMA3F):c.1796G>A (p.Arg599His)

Gene: SEMA3F (semaphorin 3F; plus strand). Cytogenetic location: 3p21.31.
Variant type: single nucleotide variant.
Coding change: c.1796G>A on transcript NM_004186.5 (MANE Select); coding-DNA position 1796, G replaced by A.
Protein change: p.Arg599His; replaces arginine 599 with histidine.
Molecular consequence: missense variant.
Genome position (GRCh38, 1-based): chr3:50,186,331, G>A. VCF-style: chr3-50186331-G-A. GRCh37 (hg19) VCF-style: chr3-50223764-G-A.
Other names: c.1499G>A, p.Arg500His (NM_001318798.2); c.1703G>A, p.Arg568His (NM_001318800.2); c.1796G>A (NM_004186.3); short protein forms R500H, R568H, R599H.
Identifiers: ClinVar variation 3035915 (VCV003035915.4), dbSNP rs754854474, ClinGen allele CA2412228.
Genomic context (GRCh38, chr3:50,186,331, plus strand): 5'-CCTCATCCAGGCGGAGCCGCCGGCAGGACGTCCGGCACGGAAACCCCATCAGGCAGTGCC[G>A]TGGGTTCAACTCCAATGGTGAGTATGCTGGGCCTCACTGTGGGGTGCTGCTCACACTGCA-3'
Protein context (NP_004177.3, residues 589-609): VRHGNPIRQC[Arg599His]GFNSNANKNA